The following is an entry in ClinVar:

ClinVar aggregate classification (germline): Uncertain significance. Review status: criteria provided, multiple submitters, no conflicts (2 of 4 stars). 2 submissions from 2 submitters: Uncertain significance (2). Last evaluated 2025-04-17.

Conditions:
Neuropathy, hereditary sensory and autonomic, type 2A (HSAN2A). Also called: WNK1-Related HSAN2 (HSAN2A); ACROOSTEOLYSIS, GIACCAI TYPE; ACROOSTEOLYSIS, NEUROGENIC; HSAN IIA; MORVAN DISEASE; NEUROPATHY, CONGENITAL SENSORY. Identifiers: Orphanet 970, MedGen C2752089, MONDO:0024309, OMIM 201300.
Pseudohypoaldosteronism type 2C (PHA2C). Also called: Pseudohypoaldosteronism Type IIC. Identifiers: Orphanet 757, Orphanet 88940, MedGen C1840391, MONDO:0013778, OMIM 614492.

Allele frequency attached by ClinVar (database versions not stated): gnomAD 0.00001; gnomAD exomes 0.00001; TOPMed 0.00002.
gnomAD v4.1: 11 of 1,604,646 alleles (0.00069%); highest among the groups gnomAD compares: Non-Finnish European, 0.00094%; no homozygotes.

Submissions (2):

Labcorp Genetics (formerly Invitae), Labcorp
Classification: Uncertain significance for Neuropathy, hereditary sensory and autonomic, type 2A; Pseudohypoaldosteronism type 2C. Last evaluated: 2025-04-17. Review status: criteria provided, single submitter. Criteria: Invitae Variant Classification Sherloc (09022015). Collection method: clinical testing. Allele origin: germline.
Comment: This sequence change replaces proline, which is neutral and non-polar, with leucine, which is neutral and non-polar, at codon 923 of the WNK1 protein (p.Pro923Leu). This variant is present in population databases (no rsID available, gnomAD 0.002%). This variant has not been reported in the literature in individuals affected with WNK1-related conditions. ClinVar contains an entry for this variant (Variation ID: 643040). Invitae Evidence Modeling of protein sequence and biophysical properties (such as structural, functional, and spatial information, amino acid conservation, physicochemical variation, residue mobility, and thermodynamic stability) indicates that this missense variant is not expected to disrupt WNK1 protein function with a negative predictive value of 95%. In summary, the available evidence is currently insufficient to determine the role of this variant in disease. Therefore, it has been classified as a Variant of Uncertain Significance.

Fulgent Genetics
Classification: Uncertain significance for Neuropathy, hereditary sensory and autonomic, type 2A; Pseudohypoaldosteronism type 2C. Last evaluated: 2024-02-09. Review status: criteria provided, single submitter. Criteria: ACMG Guidelines, 2015. Collection method: clinical testing. Allele origin: germline.

NM_213655.5(WNK1):c.2768C>T (p.Pro923Leu)

Gene: WNK1 (WNK lysine deficient protein kinase 1; plus strand). Cytogenetic location: 12p13.33.
Variant type: single nucleotide variant.
Coding change: c.2768C>T on transcript NM_213655.5 (MANE Plus Clinical); coding-DNA position 2768, C replaced by T.
Protein change: p.Pro923Leu; replaces proline 923 with leucine.
Molecular consequence: missense variant. On other transcripts: intron variant (2).
Genome position (GRCh38, 1-based): chr12:868,239, C>T. VCF-style: chr12-868239-C-T. GRCh37 (hg19) VCF-style: chr12-977405-C-T.
Other names: c.2513C>T, p.Pro838Leu (NM_001184985.2); c.2140-3026C>T (NM_018979.4, NM_014823.3); short protein forms P838L, P923L.
Identifiers: ClinVar variation 643040 (VCV000643040.9), dbSNP rs920832006, ClinGen allele CA231498812.